The following is an entry in ClinVar:

ClinVar aggregate classification (germline): Pathogenic (1 of 4 stars; one submission).

Conditions:
Hereditary breast ovarian cancer syndrome. Also called: Hereditary breast and/or ovarian cancer syndrome; Hereditary breast and ovarian cancer syndrome; Hereditary breast and ovarian cancer; Hereditary breast and ovarian cancer syndrome (HBOC); Breast and ovarian cancer; BRCA1- and BRCA2-Associated Hereditary Breast and Ovarian Cancer. Identifiers: Orphanet 145, MedGen C0677776, MeSH D061325, MONDO:0003582. Disease mechanism: loss of function.

Submission:

Labcorp Genetics (formerly Invitae), Labcorp
Classification: Pathogenic for Hereditary breast ovarian cancer syndrome. Last evaluated: 2022-02-09. Review status: criteria provided, single submitter. Criteria: Invitae Variant Classification Sherloc (09022015). Collection method: clinical testing. Allele origin: germline.
Comment: This sequence change creates a premature translational stop signal (p.Tyr1800Thrfs*5) in the BRCA2 gene. It is expected to result in an absent or disrupted protein product. Loss-of-function variants in BRCA2 are known to be pathogenic (PMID: 20104584). This variant is not present in population databases (gnomAD no frequency). This variant has not been reported in the literature in individuals affected with BRCA2-related conditions. For these reasons, this variant has been classified as Pathogenic.

Literature cited by the submitters: PubMed 20104584.

NM_000059.4(BRCA2):c.5398del (p.Tyr1800fs)

Gene: BRCA2 (BRCA2 DNA repair associated; plus strand). Cytogenetic location: 13q13.1.
Variant type: Deletion.
Coding change: c.5398del on transcript NM_000059.4 (MANE Select); coding-DNA position 5398, one base deleted (T; older notation c.5398delT).
Protein change: p.Tyr1800fs; shifts the reading frame from tyrosine 1800.
Molecular consequence: frameshift variant.
Genome position (GRCh38, 1-based): chr13:32,339,753, T deleted. VCF-style (leftmost placement, unchanged base first): chr13-32339752-AT-A. GRCh37 (hg19) VCF-style: chr13-32913889-AT-A.
Other names: c.5398delT, p.Tyr1800Thrfs (NM_001406719.1, NM_001406720.1); short protein forms Y1800fs.
Identifiers: ClinVar variation 2095375 (VCV002095375.4), dbSNP rs2548530705, ClinGen allele CA2580087368.